The following is an entry in ClinVar:

ClinVar aggregate classification (germline): Uncertain significance (1 of 4 stars; one submission).

Conditions:
Short-rib thoracic dysplasia 13 with or without polydactyly (SRTD13). Identifiers: Orphanet 474, MedGen C4225378, MONDO:0014577, OMIM 616300.

Allele frequency attached by ClinVar (database versions not stated): gnomAD exomes 0.00001; TOPMed 0.00001.
gnomAD v4.1: 13 of 1,614,132 alleles (0.00081%); highest among the groups gnomAD compares: Non-Finnish European, 0.001%; no homozygotes.

Submission:

Labcorp Genetics (formerly Invitae), Labcorp
Classification: Uncertain significance for Short-rib thoracic dysplasia 13 with or without polydactyly. Last evaluated: 2022-07-17. Review status: criteria provided, single submitter. Criteria: Invitae Variant Classification Sherloc (09022015). Collection method: clinical testing. Allele origin: germline.
Comment: This sequence change replaces leucine, which is neutral and non-polar, with phenylalanine, which is neutral and non-polar, at codon 367 of the CEP120 protein (p.Leu367Phe). This variant is present in population databases (no rsID available, gnomAD 0.0009%). This variant has not been reported in the literature in individuals affected with CEP120-related conditions. Algorithms developed to predict the effect of missense changes on protein structure and function output the following: SIFT: "Deleterious"; PolyPhen-2: "Benign"; Align-GVGD: "Class C0". The phenylalanine amino acid residue is found in multiple mammalian species, which suggests that this missense change does not adversely affect protein function. In summary, the available evidence is currently insufficient to determine the role of this variant in disease. Therefore, it has been classified as a Variant of Uncertain Significance.

NM_001375405.1(CEP120):c.1101A>C (p.Leu367Phe)

Gene: CEP120 (centrosomal protein 120; minus strand). Cytogenetic location: 5q23.2.
Variant type: single nucleotide variant.
Coding change: c.1101A>C on transcript NM_001375405.1 (MANE Select); coding-DNA position 1101, A replaced by C.
Protein change: p.Leu367Phe; replaces leucine 367 with phenylalanine.
Molecular consequence: missense variant. On other transcripts: non-coding transcript variant (1), intron variant (1).
Genome position (GRCh38, 1-based): chr5:123,390,078, T>G on the plus strand (A>C on the coding strand, the complement: CEP120 is on the minus strand). VCF-style: chr5-123390078-T-G. GRCh37 (hg19) VCF-style: chr5-122725772-T-G.
Other names: c.1023A>C, p.Leu341Phe (NM_001166226.2); c.1101A>C, p.Leu367Phe (NM_001375407.1, NM_153223.4); c.528A>C, p.Leu176Phe (NM_001375408.1, NM_001375409.1); c.1039-73A>C (NM_001375406.1); short protein forms L367F, L341F, L176F.
Identifiers: ClinVar variation 2158743 (VCV002158743.3), dbSNP rs999543272, ClinGen allele CA125977301.